The following is an entry in ClinVar:

NM_000719.7(CACNA1C):c.5444+680A>G

Genes: CACNA1C-AS1 (CACNA1C antisense RNA 1; minus strand), CACNA1C (calcium voltage-gated channel subunit alpha1 C; plus strand). Cytogenetic location: 12p13.33.
Variant type: single nucleotide variant.
Coding change: c.5444+680A>G on transcript NM_000719.7 (MANE Select); 680 bases into the intron after coding-DNA position 5444, A replaced by G.
Molecular consequence: intron variant. On other transcripts: missense variant (1).
Genome position (GRCh38, 1-based): chr12:2,680,476, A>G. VCF-style: chr12-2680476-A-G. GRCh37 (hg19) VCF-style: chr12-2789642-A-G.
Other names: c.5444+680A>G (NM_001167624.3, NM_001167623.2, NM_001129840.2 and 4 more transcripts); c.5588+680A>G (NM_199460.4, NM_001129827.2); c.5504+680A>G (NM_001129832.2); c.5528+680A>G (NM_001129831.2); c.5501+680A>G (NM_001129833.2, NM_001129834.2, NM_001129835.2); c.5567+680A>G (NM_001129829.2); c.5468+680A>G (NM_001129837.2, NM_001129838.2); c.5462+680A>G (NM_001129839.2); and 4 more; short protein forms E1842G.
Identifiers: ClinVar variation 1302387 (VCV001302387.2), dbSNP rs2153807931, ClinGen allele CA383379660.
Genomic context (GRCh38, chr12:2,680,476, plus strand): 5'-CCCGCAGGGCTCCTCCCTGTCTGCATCAGCAGCTCCAGGGTTCCCTGGCGGGGCTGAGAG[A>G]GGACACACCCTGCATCGTGCCTGGCCACGCTTCACTGTGCTGCTCTTCCAGAGTAGGAGA-3'

ClinVar aggregate classification (germline): Uncertain significance (1 of 4 stars; one submission).

Submission:

GeneDx
Classification: Uncertain significance. Last evaluated: 2019-06-06. Review status: criteria provided, single submitter. Criteria: GeneDx Variant Classification Process June 2021. Collection method: clinical testing. Allele origin: germline. Affected: yes.
Comment: Has not been previously published as pathogenic or benign to our knowledge; Occurs in an alternate transcript where only a few missense variants have been reported in the Human Gene Mutation Database in association with CACNA1C-related disorders (Stenson et al., 2014); Not observed in large population cohorts (Lek et al., 2016); In silico analysis, which includes splice predictors and evolutionary conservation, supports that this variant does not alter protein structure/function